The following is an entry in ClinVar:

ClinVar aggregate classification (germline): Uncertain significance (1 of 4 stars; one submission).

Conditions:
Inborn genetic diseases. Identifiers: MedGen C0950123, MeSH D030342.

Submission:

Ambry Genetics
Classification: Uncertain significance for Inborn genetic diseases. Last evaluated: 2024-12-01. Review status: criteria provided, single submitter. Criteria: Ambry Variant Classification Scheme 2023. Collection method: clinical testing. Allele origin: germline.
Comment: The p.F890L variant (also known as c.2670T>G), located in coding exon 14 of the FANCM gene, results from a T to G substitution at nucleotide position 2670. The phenylalanine at codon 890 is replaced by leucine, an amino acid with highly similar properties. This amino acid position is conserved. In addition, this alteration is predicted to be tolerated by in silico analysis. Based on the available evidence, the clinical significance of this variant remains unclear.

NM_020937.4(FANCM):c.2670T>G (p.Phe890Leu)

Gene: FANCM (FA complementation group M; plus strand). Cytogenetic location: 14q21.2.
Variant type: single nucleotide variant.
Coding change: c.2670T>G on transcript NM_020937.4 (MANE Select); coding-DNA position 2670, T replaced by G.
Protein change: p.Phe890Leu; replaces phenylalanine 890 with leucine.
Molecular consequence: missense variant.
Genome position (GRCh38, 1-based): chr14:45,175,424, T>G. VCF-style: chr14-45175424-T-G. GRCh37 (hg19) VCF-style: chr14-45644627-T-G.
Other names: c.2592T>G, p.Phe864Leu (NM_001308133.2); short protein forms F864L, F890L.
Identifiers: ClinVar variation 3512959 (VCV003512959.1).